The following is an entry in ClinVar:

NM_001378452.1(ITPR1):c.8263C>A (p.Gln2755Lys)

Gene: ITPR1 (inositol 1,4,5-trisphosphate receptor type 1; plus strand). Cytogenetic location: 3p26.1.
Variant type: single nucleotide variant.
Coding change: c.8263C>A on transcript NM_001378452.1 (MANE Select); coding-DNA position 8263, C replaced by A.
Protein change: p.Gln2755Lys; replaces glutamine 2755 with lysine.
Molecular consequence: missense variant.
Genome position (GRCh38, 1-based): chr3:4,846,211, C>A. VCF-style: chr3-4846211-C-A. GRCh37 (hg19) VCF-style: chr3-4887895-C-A.
Other names: c.8119C>A, p.Gln2707Lys (NM_001099952.4); c.8218C>A, p.Gln2740Lys (NM_001168272.2); c.8074C>A, p.Gln2692Lys (NM_002222.7); short protein forms Q2692K, Q2707K, Q2740K, Q2755K.
Identifiers: ClinVar variation 1951548 (VCV001951548.5), dbSNP rs1377734504, ClinGen allele CA351794924.

ClinVar aggregate classification (germline): Uncertain significance (1 of 4 stars; one submission).

Allele frequency attached by ClinVar (database versions not stated): gnomAD exomes below 0.00001; gnomAD 0.00001; TOPMed 0.00001.
gnomAD v4.1: 5 of 1,557,786 alleles (0.00032%); highest among the groups gnomAD compares: Non-Finnish European, 0.00044%; no homozygotes.

Submission:

Labcorp Genetics (formerly Invitae), Labcorp
Classification: Uncertain significance. Last evaluated: 2022-09-23. Review status: criteria provided, single submitter. Criteria: Invitae Variant Classification Sherloc (09022015). Collection method: clinical testing. Allele origin: germline.
Comment: In summary, the available evidence is currently insufficient to determine the role of this variant in disease. Therefore, it has been classified as a Variant of Uncertain Significance. This variant has not been reported in the literature in individuals affected with ITPR1-related conditions. Advanced modeling of protein sequence and biophysical properties (such as structural, functional, and spatial information, amino acid conservation, physicochemical variation, residue mobility, and thermodynamic stability) has been performed at Invitae for this missense variant, however the output from this modeling did not meet the statistical confidence thresholds required to predict the impact of this variant on ITPR1 protein function. This sequence change replaces glutamine, which is neutral and polar, with lysine, which is basic and polar, at codon 2692 of the ITPR1 protein (p.Gln2692Lys). This variant is not present in population databases (gnomAD no frequency).